The following is an entry in ClinVar:

NM_172351.3(CD46):c.161A>G (p.Tyr54Cys)

Gene: CD46 (CD46 molecule; plus strand). Cytogenetic location: 1q32.2.
Variant type: single nucleotide variant.
Coding change: c.161A>G on transcript NM_172351.3 (MANE Select); coding-DNA position 161, A replaced by G.
Protein change: p.Tyr54Cys; replaces tyrosine 54 with cysteine.
Molecular consequence: missense variant.
Genome position (GRCh38, 1-based): chr1:207,757,077, A>G. VCF-style: chr1-207757077-A-G. GRCh37 (hg19) VCF-style: chr1-207930422-A-G.
Other names: c.161A>G, p.Tyr54Cys (NM_002389.4, NM_153826.4, NM_172350.3 and 8 more transcripts); short protein forms Y54C.
Identifiers: ClinVar variation 4291243 (VCV004291243.1).

ClinVar aggregate classification (germline): Uncertain significance (1 of 4 stars; one submission).

Conditions:
Atypical hemolytic-uremic syndrome. Identifiers: Orphanet 2134, MedGen C2931788, MONDO:0016244.

Submission:

Genomenon, Inc
Classification: Uncertain significance for Atypical hemolytic-uremic syndrome. Last evaluated: 2025-10-02. Review status: criteria provided, single submitter. Criteria: Genomenon Sequence Variant Interpretation Standards. Collection method: curation. Allele origin: germline. Affected: yes.
Comment: CD46 p.Tyr54Cys (c.161A>G) is a missense variant that changes the amino acid at residue 54 from Tyrosine to Cysteine. This variant has been observed in at least one proband affected with atypical hemolytic-uremic syndrome (PMID:21906045;24247905). The variant was found to segregate with disease in at least one affected family (PMID:21906045). It is absent or not present at a significant frequency in gnomAD. In conclusion, we classify CD46 p.Tyr54Cys (c.161A>G) as a variant of uncertain significance.

Literature cited by the submitters: PubMed 21906045; PubMed 24247905.